The following is an entry in ClinVar:

NM_007294.4(BRCA1):c.5194-2_5195del

Gene: BRCA1 (BRCA1 DNA repair associated; minus strand). Cytogenetic location: 17q21.31.
Variant type: Deletion.
Coding change: c.5194-2_5195del on transcript NM_007294.4 (MANE Select); the canonical splice acceptor site of the intron before coding-DNA position 5194 through coding-DNA position 5195, 4 bases deleted (AGCA; older notation c.5194-2_5195delAGCA).
Molecular consequence: splice acceptor variant.
Genome position (GRCh38, 1-based): chr17:43,057,134-43,057,137, TGCT deleted on the plus strand (AGCA on the coding strand, the reverse complement: BRCA1 is on the minus strand). VCF-style (leftmost placement, unchanged base first): chr17-43057133-ATGCT-A. GRCh37 (hg19) VCF-style: chr17-41209150-ATGCT-A.
Other names: c.1741-2_1742del (NM_001408458.1, NM_001408461.1, NM_001408464.1 and 7 more transcripts); c.4303-2_4304del (NM_001407967.1); c.4813-2_4814del (NM_001407959.1); c.4927-2_4928del (NM_001407931.1, NM_001407932.1, NM_001407928.1 and 4 more transcripts); c.5050-2_5051del (NM_001407747.1, NM_001407745.1, NM_001407737.1 and 21 more transcripts); c.4810-2_4811del (NM_001407962.1, NM_001407960.1); c.1381-2_1382del (NM_001408512.1); c.1504-2_1505del (NM_001408510.1); and 72 more.
Identifiers: ClinVar variation 3765079 (VCV003765079.1).

ClinVar aggregate classification (germline): Likely pathogenic (1 of 4 stars; one submission).

Submission:

Center for Genomic Medicine, Rigshospitalet, Copenhagen University Hospital
Classification: Likely pathogenic. Last evaluated: 2025-03-04. Review status: criteria provided, single submitter. Criteria: ACMG Guidelines, 2015. Collection method: clinical testing. Allele origin: germline.
Comment: Classification criteria: PVS1, PM2_supporting